The following is an entry in ClinVar:

NM_173601.2(GXYLT1):c.156C>A (p.Gly52=)

Genes: GXYLT1 (glucoside xylosyltransferase 1; minus strand), LOC130007692 (ATAC-STARR-seq lymphoblastoid silent region 4357; plus strand). Cytogenetic location: 12q12.
Variant type: single nucleotide variant.
Coding change: c.156C>A on transcript NM_173601.2 (MANE Select); coding-DNA position 156, C replaced by A.
Protein change: p.Gly52=; no amino-acid change (glycine 52 retained).
Molecular consequence: synonymous variant.
Genome position (GRCh38, 1-based): chr12:42,144,491, G>T on the plus strand (C>A on the coding strand, the complement: GXYLT1 is on the minus strand). VCF-style: chr12-42144491-G-T. GRCh37 (hg19) VCF-style: chr12-42538293-G-T.
Other names: c.156C>A, p.Gly52= (NM_001099650.2).
Identifiers: ClinVar variation 2642893 (VCV002642893.24), dbSNP rs949684661, ClinGen allele CA235464865.

ClinVar aggregate classification (germline): Likely benign (1 of 4 stars; one submission).

Submission:

CeGaT Center for Human Genetics Tuebingen
Classification: Likely benign. Last evaluated: 2023-08-01. Review status: criteria provided, single submitter. Criteria: CeGaT Center For Human Genetics Tuebingen Variant Classification Criteria Version 2. Collection method: clinical testing. Allele origin: germline. Affected: yes. Observed: 1 variant allele.
Comment: GXYLT1: PM2:Supporting, BP4, BP7